The following is an entry in ClinVar:

NM_002834.5(PTPN11):c.217A>G (p.Thr73Ala)

Gene: PTPN11 (protein tyrosine phosphatase non-receptor type 11; plus strand). Cytogenetic location: 12q24.13.
Variant type: single nucleotide variant.
Coding change: c.217A>G on transcript NM_002834.5 (MANE Select); coding-DNA position 217, A replaced by G.
Protein change: p.Thr73Ala; replaces threonine 73 with alanine.
Molecular consequence: missense variant.
Genome position (GRCh38, 1-based): chr12:112,450,397, A>G. VCF-style: chr12-112450397-A-G. GRCh37 (hg19) VCF-style: chr12-112888201-A-G.
Other names: c.217A>G, p.Thr73Ala (NM_001330437.2, NM_080601.3); c.214A>G, p.Thr72Ala (NM_001374625.1); short protein forms T72A, T73A.
Identifiers: ClinVar variation 2186260 (VCV002186260.4), dbSNP rs397507513, ClinGen allele CA386777857.

ClinVar aggregate classification (germline): Likely pathogenic (1 of 4 stars; one submission).

Conditions:
RASopathy. Also called: Noonan spectrum disorder; rasopathies. Identifiers: Orphanet 536391, MedGen C5555857, MONDO:0021060.

Allele frequency attached by ClinVar (database versions not stated): gnomAD exomes below 0.00001.
gnomAD v4.1: 2 of 1,613,742 alleles (0.00012%); highest among the groups gnomAD compares: Non-Finnish European, 0.00017%; no homozygotes.

Submission:

Labcorp Genetics (formerly Invitae), Labcorp
Classification: Likely pathogenic for RASopathy. Last evaluated: 2022-01-01. Review status: criteria provided, single submitter. Criteria: Invitae Variant Classification Sherloc (09022015). Collection method: clinical testing. Allele origin: germline.
Comment: This variant has not been reported in the literature in individuals affected with PTPN11-related conditions. This variant is not present in population databases (gnomAD no frequency). This sequence change replaces threonine, which is neutral and polar, with alanine, which is neutral and non-polar, at codon 73 of the PTPN11 protein (p.Thr73Ala). In summary, the currently available evidence indicates that the variant is pathogenic, but additional data are needed to prove that conclusively. Therefore, this variant has been classified as Likely Pathogenic. This variant disrupts the p.Thr73 amino acid residue in PTPN11. Other variant(s) that disrupt this residue have been determined to be pathogenic (PMID: 11992261, 15240615, 17020470, 17339163). This suggests that this residue is clinically significant, and that variants that disrupt this residue are likely to be disease-causing. Experimental studies have shown that this missense change affects PTPN11 function (PMID: 25802336). Advanced modeling of protein sequence and biophysical properties (such as structural, functional, and spatial information, amino acid conservation, physicochemical variation, residue mobility, and thermodynamic stability) performed at Invitae indicates that this missense variant is expected to disrupt PTPN11 protein function.

Literature cited by the submitters: PubMed 11992261; PubMed 15240615; PubMed 17020470; PubMed 17339163; PubMed 25802336.